The following is an entry in ClinVar:

ClinVar aggregate classification (germline): Uncertain significance. Review status: criteria provided, multiple submitters, no conflicts (2 of 4 stars). 4 submissions from 4 submitters: Uncertain significance (4). Last evaluated 2026-03-10.

Conditions:
NPHP1-related disorder. Also called: NPHP1-related condition; NPHP1-related disorders.
Nephronophthisis. Also called: Juvenile Nephronophthisis. Identifiers: Orphanet 655, MedGen C0687120, MONDO:0019005, HP:0000090.
Nephronophthisis 1 (NPHP1). Also called: Nephronophthisis familial juvenile. Identifiers: Orphanet 655, Orphanet 93592, MedGen C1855681, MONDO:0009728, OMIM 256100.
Senior-Loken syndrome 1 (SLSN1). Also called: JUVENILE NEPHRONOPHTHISIS WITH LEBER AMAUROSIS. Identifiers: Orphanet 3156, MedGen C4551559, MONDO:0009962, OMIM 266900.
Joubert syndrome with renal defect. Also called: JOUBERT SYNDROME 4. Identifiers: Orphanet 220497, MedGen C1846790, MONDO:0012308, OMIM 609583.

Allele frequency attached by ClinVar (database versions not stated): gnomAD 0.00001; TOPMed 0.00002.
gnomAD v4.1: 1 of 1,612,522 alleles (0.000062%); highest among the groups gnomAD compares: African/African-American, 0.0013%; no homozygotes.

Submissions (4):

PreventionGenetics, part of Exact Sciences
Classification: Uncertain significance for NPHP1-related condition. Last evaluated: 2026-03-10. Review status: criteria provided, single submitter. Criteria: ACMG Guidelines, 2015. Collection method: clinical testing. Allele origin: germline.
Comment: The NPHP1 c.1616A>G variant is predicted to result in the amino acid substitution p.Tyr539Cys. To our knowledge, this variant has not been reported in the literature or in a large population database (gnomAD), indicating this variant is rare. At this time, the clinical significance of this variant is uncertain due to the absence of conclusive functional and genetic evidence.

Fulgent Genetics
Classification: Uncertain significance for Nephronophthisis 1; Senior-Loken syndrome 1; Joubert syndrome with renal defect. Last evaluated: 2024-06-09. Review status: criteria provided, single submitter. Criteria: ACMG Guidelines, 2015. Collection method: clinical testing. Allele origin: germline.

Labcorp Genetics (formerly Invitae), Labcorp
Classification: Uncertain significance for Nephronophthisis. Last evaluated: 2022-07-11. Review status: criteria provided, single submitter. Criteria: Invitae Variant Classification Sherloc (09022015). Collection method: clinical testing. Allele origin: germline.
Comment: This variant is not present in population databases (gnomAD no frequency). In summary, the available evidence is currently insufficient to determine the role of this variant in disease. Therefore, it has been classified as a Variant of Uncertain Significance. Algorithms developed to predict the effect of missense changes on protein structure and function are either unavailable or do not agree on the potential impact of this missense change (SIFT: "Deleterious"; PolyPhen-2: "Possibly Damaging"; Align-GVGD: "Class C0"). ClinVar contains an entry for this variant (Variation ID: 596605). This variant has not been reported in the literature in individuals affected with NPHP1-related conditions. This sequence change replaces tyrosine, which is neutral and polar, with cysteine, which is neutral and slightly polar, at codon 539 of the NPHP1 protein (p.Tyr539Cys).

Eurofins Ntd Llc (ga)
Classification: Uncertain significance. Last evaluated: 2018-03-22. Review status: criteria provided, single submitter. Criteria: EGL ClinVar v180209 classification definitions. Collection method: clinical testing. Allele origin: germline. Observed: 1 variant allele, 1 heterozygote.

NM_001128178.3(NPHP1):c.1448A>G (p.Tyr483Cys)

Gene: NPHP1 (nephrocystin 1; minus strand). Cytogenetic location: 2q13.
Variant type: single nucleotide variant.
Coding change: c.1448A>G on transcript NM_001128178.3 (MANE Select); coding-DNA position 1448, A replaced by G.
Protein change: p.Tyr483Cys; replaces tyrosine 483 with cysteine.
Molecular consequence: missense variant.
Genome position (GRCh38, 1-based): chr2:110,143,623, T>C on the plus strand (A>G on the coding strand, the complement: NPHP1 is on the minus strand). VCF-style: chr2-110143623-T-C. GRCh37 (hg19) VCF-style: chr2-110901200-T-C.
Other names: c.1616A>G, p.Tyr539Cys (NM_000272.5); c.1259A>G, p.Tyr420Cys (NM_001128179.3); c.1445A>G, p.Tyr482Cys (NM_001374256.1); c.1448A>G, p.Tyr483Cys (NM_001374257.1); c.1613A>G, p.Tyr538Cys (NM_207181.4); short protein forms Y539C, Y538C, Y420C, Y483C, Y482C.
Identifiers: ClinVar variation 596605 (VCV000596605.17), dbSNP rs1283995363, ClinGen allele CA348087368.
Genomic context (GRCh38, chr2:110,143,623, plus strand): 5'-CTGTTCAAGGATCTCAGTTTCACTAGAAGTTGAGGCTGCCTTCTCATTGTCATAATCTGG[T>C]AGAAAACACTGCCGTGTGCTTTTAAGAAAAATCAAAAGTAACTCACGAAACTTTAAGTAC-3'
Protein context (NP_001121650.1, residues 473-493): ISRRAHGSVF[Tyr483Cys]QIMTMRRQPQ